The following is an entry in ClinVar:

ClinVar aggregate classification (germline): Likely benign. Review status: criteria provided, single submitter (1 of 4 stars). 2 submissions from 2 submitters: Likely benign (1). 1 of the submissions does not count toward it. Last evaluated 2025-01-29.

Conditions:
MTOR-related disorder. Also called: MTOR-related condition.

Allele frequency attached by ClinVar (database versions not stated): gnomAD exomes below 0.00001 and 0.00001; gnomAD 0.00001; TOPMed 0.00004.
gnomAD v4.1: 15 of 1,613,998 alleles (0.00093%); highest among the groups gnomAD compares: Non-Finnish European, 0.0012%; no homozygotes.

Submissions (2):

Labcorp Genetics (formerly Invitae), Labcorp
Classification: Likely benign. Last evaluated: 2025-01-29. Review status: criteria provided, single submitter. Criteria: Invitae Variant Classification Sherloc (09022015). Collection method: clinical testing. Allele origin: germline.

PreventionGenetics, part of Exact Sciences
Classification: Likely benign for MTOR-related condition. Last evaluated: 2023-05-22. Review status: no assertion criteria provided. Collection method: clinical testing. Allele origin: germline. Not counted in ClinVar's aggregate classification.
Comment: This variant is classified as likely benign based on ACMG/AMP sequence variant interpretation guidelines (Richards et al. 2015 PMID: 25741868, with internal and published modifications).

NM_004958.4(MTOR):c.7416G>T (p.Gly2472=)

Gene: MTOR (mechanistic target of rapamycin kinase; minus strand). Cytogenetic location: 1p36.22.
Variant type: single nucleotide variant.
Coding change: c.7416G>T on transcript NM_004958.4 (MANE Select); coding-DNA position 7416, G replaced by T.
Protein change: p.Gly2472=; no amino-acid change (glycine 2472 retained).
Molecular consequence: synonymous variant.
Genome position (GRCh38, 1-based): chr1:11,109,680, C>A on the plus strand (G>T on the coding strand, the complement: MTOR is on the minus strand). VCF-style: chr1-11109680-C-A. GRCh37 (hg19) VCF-style: chr1-11169737-C-A.
Identifiers: ClinVar variation 957678 (VCV000957678.11), dbSNP rs955814963, ClinGen allele CA17928226.